The following is an entry in ClinVar:

ClinVar aggregate classification (germline): Likely benign. Review status: criteria provided, multiple submitters, no conflicts (2 of 4 stars). 3 submissions from 3 submitters: Likely benign (2). 1 of the submissions does not count toward it. Last evaluated 2026-07-01.

Conditions:
COL13A1-related disorder. Also called: COL13A1-related condition.

Allele frequency attached by ClinVar (database versions not stated): TOPMed 0.00045.
gnomAD v4.1: 1,069 of 1,612,580 alleles (0.066%); highest among the groups gnomAD compares: Middle Eastern, 0.082%; 2 homozygotes.

Submissions (3):

CeGaT Center for Human Genetics Tuebingen
Classification: Likely benign. Last evaluated: 2026-07-01. Review status: criteria provided, single submitter. Criteria: CeGaT Center For Human Genetics Tuebingen Variant Classification Criteria Version 2. Collection method: clinical testing. Allele origin: germline. Affected: yes. Observed: 1 variant allele.
Comment: COL13A1: BP4, BP7

Labcorp Genetics (formerly Invitae), Labcorp
Classification: Likely benign. Last evaluated: 2026-01-22. Review status: criteria provided, single submitter. Criteria: Invitae Variant Classification Sherloc (09022015). Collection method: clinical testing. Allele origin: germline.

PreventionGenetics, part of Exact Sciences
Classification: Likely benign for COL13A1-related condition. Last evaluated: 2021-10-19. Review status: no assertion criteria provided. Collection method: clinical testing. Allele origin: germline. Not counted in ClinVar's aggregate classification.
Comment: This variant is classified as likely benign based on ACMG/AMP sequence variant interpretation guidelines (Richards et al. 2015 PMID: 25741868, with internal and published modifications).

NM_001368882.1(COL13A1):c.567C>T (p.Asp189=)

Gene: COL13A1 (collagen type XIII alpha 1 chain; plus strand). Cytogenetic location: 10q22.1.
Variant type: single nucleotide variant.
Coding change: c.567C>T on transcript NM_001368882.1 (MANE Select); coding-DNA position 567, C replaced by T.
Protein change: p.Asp189=; no amino-acid change (aspartic acid 189 retained).
Molecular consequence: synonymous variant. On other transcripts: 5 prime UTR variant (1).
Genome position (GRCh38, 1-based): chr10:69,888,321, C>T. VCF-style: chr10-69888321-C-T. GRCh37 (hg19) VCF-style: chr10-71648077-C-T.
Other names: c.540C>T, p.Asp180= (NM_001130103.2, NM_080800.4, NM_080801.4 and 1 more transcripts); c.567C>T, p.Asp189= (NM_001320951.2, NM_001368884.1); c.531C>T, p.Asp177= (NM_001368883.1, NM_001368885.1); c.-34C>T (NM_001368886.1); c.477C>T, p.Asp159= (NM_001368895.1); c.426C>T, p.Asp142= (NM_001368896.1, NM_001368898.1, NM_080798.4); c.453C>T, p.Asp151= (NM_001368897.1, NM_080805.4).
Identifiers: ClinVar variation 756534 (VCV000756534.12), dbSNP rs202115626, ClinGen allele CA5534260.